The following is an entry in ClinVar:

NM_001042492.3(NF1):c.3370A>G (p.Ser1124Gly)

Gene: NF1 (neurofibromin 1; plus strand). Cytogenetic location: 17q11.2.
Variant type: single nucleotide variant.
Coding change: c.3370A>G on transcript NM_001042492.3 (MANE Select); coding-DNA position 3370, A replaced by G.
Protein change: p.Ser1124Gly; replaces serine 1124 with glycine.
Molecular consequence: missense variant.
Genome position (GRCh38, 1-based): chr17:31,232,755, A>G. VCF-style: chr17-31232755-A-G. GRCh37 (hg19) VCF-style: chr17-29559773-A-G.
Other names: c.3370A>G, p.Ser1124Gly (NM_000267.4); short protein forms S1124G.
Identifiers: ClinVar variation 3237727 (VCV003237727.1), dbSNP rs2151434566.

ClinVar aggregate classification (germline): Uncertain significance (1 of 4 stars; one submission).

Conditions:
Hereditary cancer-predisposing syndrome. Also called: Neoplastic Syndromes, Hereditary; Tumor predisposition; Hereditary neoplastic syndrome; Hereditary Cancer Syndrome. Identifiers: Orphanet 140162, MedGen C0027672, MeSH D009386, MONDO:0015356.
Cardiovascular phenotype. Identifiers: MedGen CN230736.

Submission:

Ambry Genetics
Classification: Uncertain significance for Cardiovascular phenotype; Hereditary cancer-predisposing syndrome. Last evaluated: 2023-07-06. Review status: criteria provided, single submitter. Criteria: Ambry Variant Classification Scheme 2023. Collection method: clinical testing. Allele origin: germline.
Comment: The p.S1124G variant (also known as c.3370A>G), located in coding exon 26 of the NF1 gene, results from an A to G substitution at nucleotide position 3370. The serine at codon 1124 is replaced by glycine, an amino acid with similar properties. This amino acid position is conserved. In addition, this alteration is predicted to be tolerated by in silico analysis. Since supporting evidence is limited at this time, the clinical significance of this alteration remains unclear.